The following is an entry in ClinVar:

NM_001003722.2(GLE1):c.357_364del (p.Gln121fs)

Gene: GLE1 (GLE1 RNA export mediator; plus strand). Cytogenetic location: 9q34.11.
Variant type: Deletion.
Coding change: c.357_364del on transcript NM_001003722.2 (MANE Select); coding-DNA positions 357 to 364, 8 bases deleted (ACTTCAGT; older notation c.357_364delACTTCAGT).
Protein change: p.Gln121fs; shifts the reading frame from glutamine 121.
Molecular consequence: frameshift variant.
Genome position (GRCh38, 1-based): chr9:128,515,564-128,515,571, ACTTCAGT deleted; deleting any 8 consecutive bases within chr9:128,515,562-128,515,571 gives the same sequence; the c. name uses the placement nearest the transcript's 3' end. VCF-style (leftmost placement, unchanged base first): chr9-128515561-GGTACTTCA-G. GRCh37 (hg19) VCF-style: chr9-131277840-GGTACTTCA-G.
Other names: c.357_364del, p.Gln121fs (NM_001499.2); short protein forms Q121fs.
Identifiers: ClinVar variation 1075479 (VCV001075479.8), dbSNP rs1564145502, ClinGen allele CA918560918.

ClinVar aggregate classification (germline): Pathogenic/Likely pathogenic. Review status: criteria provided, multiple submitters, no conflicts (2 of 4 stars). 2 submissions from 2 submitters: Pathogenic (1); Likely pathogenic (1). Last evaluated 2024-04-09.

Conditions:
Lethal arthrogryposis-anterior horn cell disease syndrome (CAAHD). Also called: CONGENITAL ARTHROGRYPOSIS WITH ANTERIOR HORN CELL DISEASE. Identifiers: Orphanet 53696, MedGen C5193016, MONDO:0012750, OMIM 611890.
Lethal congenital contracture syndrome 1 (LCCS1). Also called: MULTIPLE CONTRACTURE SYNDROME, FINNISH TYPE. Identifiers: Orphanet 1486, MedGen C1854664, MONDO:0009670, OMIM 253310.

Submissions (2):

Fulgent Genetics
Classification: Likely pathogenic for Lethal congenital contracture syndrome 1; Lethal arthrogryposis-anterior horn cell disease syndrome. Last evaluated: 2024-04-09. Review status: criteria provided, single submitter. Criteria: ACMG Guidelines, 2015. Collection method: clinical testing. Allele origin: germline.

Labcorp Genetics (formerly Invitae), Labcorp
Classification: Pathogenic. Last evaluated: 2024-01-29. Review status: criteria provided, single submitter. Criteria: Invitae Variant Classification Sherloc (09022015). Collection method: clinical testing. Allele origin: germline.
Comment: This sequence change creates a premature translational stop signal (p.Gln121Thrfs*44) in the GLE1 gene. It is expected to result in an absent or disrupted protein product. Loss-of-function variants in GLE1 are known to be pathogenic (PMID: 18204449, 24243016, 27684565). This variant is not present in population databases (gnomAD no frequency). This variant has not been reported in the literature in individuals affected with GLE1-related conditions. ClinVar contains an entry for this variant (Variation ID: 1075479). For these reasons, this variant has been classified as Pathogenic.

Literature cited by the submitters: PubMed 18204449 (cited by Labcorp Genetics (formerly Invitae), Labcorp); PubMed 24243016 (cited by Labcorp Genetics (formerly Invitae), Labcorp); PubMed 27684565 (cited by Labcorp Genetics (formerly Invitae), Labcorp).